The following is an entry in ClinVar:

NM_000081.4(LYST):c.7571A>G (p.Glu2524Gly)

Gene: LYST (lysosomal trafficking regulator; minus strand). Cytogenetic location: 1q42.3.
Variant type: single nucleotide variant.
Coding change: c.7571A>G on transcript NM_000081.4 (MANE Select); coding-DNA position 7571, A replaced by G.
Protein change: p.Glu2524Gly; replaces glutamic acid 2524 with glycine.
Molecular consequence: missense variant.
Genome position (GRCh38, 1-based): chr1:235,752,061, T>C on the plus strand (A>G on the coding strand, the complement: LYST is on the minus strand). VCF-style: chr1-235752061-T-C. GRCh37 (hg19) VCF-style: chr1-235915361-T-C.
Other names: c.7571A>G, p.Glu2524Gly (NM_001301365.1); short protein forms E2524G.
Identifiers: ClinVar variation 1387706 (VCV001387706.4), dbSNP rs1666549501, ClinGen allele CA344930297.

ClinVar aggregate classification (germline): Uncertain significance (1 of 4 stars; one submission).

Conditions:
Chédiak-Higashi syndrome (CHS). Also called: Chediak-Higashi Syndrome. Identifiers: Orphanet 167, MedGen C0007965, MONDO:0008963, OMIM 214500.

Allele frequency attached by ClinVar (database versions not stated): TOPMed below 0.00001; gnomAD exomes 0.00001.
gnomAD v4.1: 7 of 1,610,494 alleles (0.00043%); highest among the groups gnomAD compares: Non-Finnish European, 0.00059%; no homozygotes.

Submission:

Labcorp Genetics (formerly Invitae), Labcorp
Classification: Uncertain significance for Chédiak-Higashi syndrome. Last evaluated: 2024-10-21. Review status: criteria provided, single submitter. Criteria: Invitae Variant Classification Sherloc (09022015). Collection method: clinical testing. Allele origin: germline.
Comment: This sequence change replaces glutamic acid, which is acidic and polar, with glycine, which is neutral and non-polar, at codon 2524 of the LYST protein (p.Glu2524Gly). This variant is not present in population databases (gnomAD no frequency). This variant has not been reported in the literature in individuals affected with LYST-related conditions. ClinVar contains an entry for this variant (Variation ID: 1387706). Invitae Evidence Modeling of protein sequence and biophysical properties (such as structural, functional, and spatial information, amino acid conservation, physicochemical variation, residue mobility, and thermodynamic stability) indicates that this missense variant is expected to disrupt LYST protein function with a positive predictive value of 80%. In summary, the available evidence is currently insufficient to determine the role of this variant in disease. Therefore, it has been classified as a Variant of Uncertain Significance.